The following is an entry in ClinVar:

ClinVar aggregate classification (germline): Uncertain significance (1 of 4 stars; one submission).

Conditions:
Familial cancer of breast. Also called: hereditary breast carcinoma; BREAST CANCER, FAMILIAL; Hereditary breast cancer. Identifiers: Orphanet 227535, MedGen C0346153, MONDO:0016419, OMIM 114480. Disease mechanism: loss of function.

Submission:

Labcorp Genetics (formerly Invitae), Labcorp
Classification: Uncertain significance for Familial cancer of breast. Last evaluated: 2021-08-30. Review status: criteria provided, single submitter. Criteria: Invitae Variant Classification Sherloc (09022015). Collection method: clinical testing. Allele origin: germline.
Comment: This sequence change replaces alanine with serine at codon 402 of the CHEK2 protein (p.Ala402Ser). The alanine residue is moderately conserved and there is a moderate physicochemical difference between alanine and serine. This variant is not present in population databases (ExAC no frequency). This variant has not been reported in the literature in individuals affected with CHEK2-related conditions. Algorithms developed to predict the effect of missense changes on protein structure and function (SIFT, PolyPhen-2, Align-GVGD) all suggest that this variant is likely to be tolerated. In summary, the available evidence is currently insufficient to determine the role of this variant in disease. Therefore, it has been classified as a Variant of Uncertain Significance.

NM_007194.4(CHEK2):c.1204G>T (p.Ala402Ser)

Gene: CHEK2 (checkpoint kinase 2; minus strand). Cytogenetic location: 22q12.1.
Variant type: single nucleotide variant.
Coding change: c.1204G>T on transcript NM_007194.4 (MANE Select); coding-DNA position 1204, G replaced by T.
Protein change: p.Ala402Ser; replaces alanine 402 with serine.
Molecular consequence: missense variant.
Genome position (GRCh38, 1-based): chr22:28,695,765, C>A on the plus strand (G>T on the coding strand, the complement: CHEK2 is on the minus strand). VCF-style: chr22-28695765-C-A. GRCh37 (hg19) VCF-style: chr22-29091753-C-A.
Other names: c.1333G>T, p.Ala445Ser (NM_001005735.3); c.541G>T, p.Ala181Ser (NM_001257387.3); c.1003G>T, p.Ala335Ser (NM_001349956.3); c.1117G>T, p.Ala373Ser (NM_145862.3); short protein forms A335S, A402S, A445S, A373S, A181S.
Identifiers: ClinVar variation 1473608 (VCV001473608.7), dbSNP rs758206293, ClinGen allele CA411096758.